The following is an entry in ClinVar:

NM_194248.3(OTOF):c.828C>A (p.Cys276Ter)

Gene: OTOF (otoferlin; minus strand). Cytogenetic location: 2p23.3.
Variant type: single nucleotide variant.
Coding change: c.828C>A on transcript NM_194248.3 (MANE Select); coding-DNA position 828, C replaced by A.
Protein change: p.Cys276Ter; replaces cysteine 276 with a stop codon.
Molecular consequence: nonsense.
Genome position (GRCh38, 1-based): chr2:26,495,011, G>T on the plus strand (C>A on the coding strand, the complement: OTOF is on the minus strand). VCF-style: chr2-26495011-G-T. GRCh37 (hg19) VCF-style: chr2-26717879-G-T.
Other names: c.828C>A, p.Cys276Ter (NM_001287489.2); short protein forms C276*.
Identifiers: ClinVar variation 48276 (VCV000048276.8), dbSNP rs111033447, ClinGen allele CA262051.

ClinVar aggregate classification (germline): Pathogenic. Review status: criteria provided, single submitter (1 of 4 stars). 2 submissions from 2 submitters: Pathogenic (1). 1 of the submissions does not count toward it. Last evaluated 2024-01-24.

Conditions:
Rare genetic deafness. Identifiers: Orphanet 96210, MedGen C5680250.

Allele frequency attached by ClinVar (database versions not stated): TOPMed 0.00002.
gnomAD v4.1: 1 of 1,613,910 alleles (0.000062%); highest among the groups gnomAD compares: Non-Finnish European, 0.000085%; no homozygotes.

Submissions (2):

Labcorp Genetics (formerly Invitae), Labcorp
Classification: Pathogenic. Last evaluated: 2024-01-24. Review status: criteria provided, single submitter. Criteria: Invitae Variant Classification Sherloc (09022015). Collection method: clinical testing. Allele origin: germline.
Comment: This sequence change creates a premature translational stop signal (p.Cys276*) in the OTOF gene. It is expected to result in an absent or disrupted protein product. Loss-of-function variants in OTOF are known to be pathogenic (PMID: 18381613, 19250381, 22575033). This variant is not present in population databases (gnomAD no frequency). This variant has not been reported in the literature in individuals affected with OTOF-related conditions. ClinVar contains an entry for this variant (Variation ID: 48276). For these reasons, this variant has been classified as Pathogenic.

Laboratory for Molecular Medicine, Mass General Brigham Personalized Medicine
Classification: Likely pathogenic for Rare genetic deafness. Last evaluated: 2009-09-16. Review status: no assertion criteria provided. Collection method: clinical testing. Allele origin: germline. Observed: 1 variant allele. Not counted in ClinVar's aggregate classification.

Literature cited by the submitters: PubMed 18381613 (cited by Labcorp Genetics (formerly Invitae), Labcorp); PubMed 19250381 (cited by Labcorp Genetics (formerly Invitae), Labcorp); PubMed 22575033 (cited by Labcorp Genetics (formerly Invitae), Labcorp).